The following is an entry in ClinVar:

ClinVar aggregate classification (germline): Uncertain significance (1 of 4 stars; one submission).

Conditions:
Developmental and epileptic encephalopathy, 25 (DEE25). Also called: Epileptic encephalopathy, early infantile, 25; Developmental and epileptic encephalopathy 25, with amelogenesis imperfecta; Epileptic encephalopathy, early infantile, 25, with amelogenesis imperfecta. Identifiers: Orphanet 442835, MedGen C4014621, MONDO:0014392, OMIM 615905.

Allele frequency attached by ClinVar (database versions not stated): gnomAD exomes below 0.00001 and 0.00001; gnomAD 0.00001; ExAC 0.00003; TOPMed 0.00003.
gnomAD v4.1: 4 of 1,613,610 alleles (0.00025%); highest among the groups gnomAD compares: African/African-American, 0.0053%; no homozygotes.

Submission:

Labcorp Genetics (formerly Invitae), Labcorp
Classification: Uncertain significance for Developmental and epileptic encephalopathy, 25. Last evaluated: 2020-10-24. Review status: criteria provided, single submitter. Criteria: Invitae Variant Classification Sherloc (09022015). Collection method: clinical testing. Allele origin: germline.
Comment: In summary, the available evidence is currently insufficient to determine the role of this variant in disease. Therefore, it has been classified as a Variant of Uncertain Significance. Algorithms developed to predict the effect of missense changes on protein structure and function (SIFT, PolyPhen-2, Align-GVGD) all suggest that this variant is likely to be tolerated, but these predictions have not been confirmed by published functional studies and their clinical significance is uncertain. This variant has not been reported in the literature in individuals with SLC13A5-related conditions. This variant is present in population databases (rs777351597, ExAC 0.03%). This sequence change replaces lysine with glutamic acid at codon 120 of the SLC13A5 protein (p.Lys120Glu). The lysine residue is moderately conserved and there is a small physicochemical difference between lysine and glutamic acid.

NM_177550.5(SLC13A5):c.358A>G (p.Lys120Glu)

Gene: SLC13A5 (solute carrier family 13 member 5; minus strand). Cytogenetic location: 17p13.1.
Variant type: single nucleotide variant.
Coding change: c.358A>G on transcript NM_177550.5 (MANE Select); coding-DNA position 358, A replaced by G.
Protein change: p.Lys120Glu; replaces lysine 120 with glutamic acid.
Molecular consequence: missense variant.
Genome position (GRCh38, 1-based): chr17:6,706,652, T>C on the plus strand (A>G on the coding strand, the complement: SLC13A5 is on the minus strand). VCF-style: chr17-6706652-T-C. GRCh37 (hg19) VCF-style: chr17-6609971-T-C.
Other names: c.358A>G, p.Lys120Glu (NM_001143838.3, NM_001284509.2); c.229A>G, p.Lys77Glu (NM_001284510.2); short protein forms K120E, K77E.
Identifiers: ClinVar variation 1008989 (VCV001008989.8), dbSNP rs777351597, ClinGen allele CA8331769.